The following is an entry in ClinVar:

NM_001267550.2(TTN):c.69613_69616dup (p.Glu23206fs)

Genes: TTN (titin; minus strand), TTN-AS1 (TTN antisense RNA 1; plus strand), LOC126806422 (BRD4-independent group 4 enhancer GRCh37_chr2:179440205-179441404; plus strand). Cytogenetic location: 2q31.2.
Variant type: Duplication.
Coding change: c.69613_69616dup on transcript NM_001267550.2 (MANE Select); coding-DNA positions 69613 to 69616, 4 bases duplicated (CAAG; older notation c.69613_69616dupCAAG).
Protein change: p.Glu23206fs; shifts the reading frame from glutamic acid 23206.
Molecular consequence: frameshift variant.
Genome position (GRCh38, 1-based): chr2:178,576,628-178,576,631, CTTG duplicated on the plus strand (CAAG on the coding strand, the reverse complement: TTN is on the minus strand); duplicating any 4 consecutive bases within chr2:178,576,628-178,576,632 gives the same sequence; the c. name uses the placement nearest the transcript's 3' end. VCF-style (leftmost placement, unchanged base first): chr2-178576627-T-TCTTG. GRCh37 (hg19) VCF-style: chr2-179441354-T-TCTTG.
Other names: c.64690_64693dup, p.Glu21565fs (NM_001256850.1); c.42418_42421dup, p.Glu14141fs (NM_003319.4); c.61909_61912dup, p.Glu20638fs (NM_133378.4); c.42793_42796dup, p.Glu14266fs (NM_133432.3); c.42994_42997dup, p.Glu14333fs (NM_133437.4); short protein forms E20638fs, E23206fs, E14141fs, E14266fs, E14333fs, E21565fs.
Identifiers: ClinVar variation 1490521 (VCV001490521.8), dbSNP rs2154173163, ClinGen allele CA2573134327.

ClinVar aggregate classification (germline): Likely pathogenic (1 of 4 stars; one submission).

Conditions:
Dilated cardiomyopathy 1G (CMD1G). Identifiers: Orphanet 154, MedGen C1858763, MONDO:0011400, OMIM 604145.
Autosomal recessive limb-girdle muscular dystrophy type 2J (LGMDR10). Also called: Limb-girdle muscular dystrophy, type 2J; MUSCULAR DYSTROPHY, LIMB-GIRDLE, AUTOSOMAL RECESSIVE 10. Identifiers: Orphanet 140922, MedGen C1837342, MONDO:0012127, OMIM 608807.

Submission:

Labcorp Genetics (formerly Invitae), Labcorp
Classification: Likely pathogenic for Dilated cardiomyopathy 1G; Autosomal recessive limb-girdle muscular dystrophy type 2J. Last evaluated: 2021-03-26. Review status: criteria provided, single submitter. Criteria: Invitae Variant Classification Sherloc (09022015). Collection method: clinical testing. Allele origin: germline.
Comment: In summary, the currently available evidence indicates that the variant is pathogenic, but additional data are needed to prove that conclusively. Therefore, this variant has been classified as Likely Pathogenic. This variant is located in the A band of TTN (PMID: 25589632). Truncating variants in this region are significantly overrepresented in patients affected with dilated cardiomyopathy (PMID: 25589632). Truncating variants in this region have also been reported in individuals affected with autosomal recessive centronuclear myopathy (PMID: 23975875). This variant has not been reported in the literature in individuals with TTN-related conditions. This variant is not present in population databases (ExAC no frequency). This sequence change creates a premature translational stop signal (p.Glu23206Alafs*23) in the TTN gene. While this is not anticipated to result in nonsense mediated decay, it is expected to create a truncated TTN protein.

Literature cited by the submitters: PubMed 25589632; PubMed 23975875.